The following is an entry in ClinVar:

ClinVar aggregate classification (germline): Benign/Likely benign. Review status: criteria provided, multiple submitters, no conflicts (2 of 4 stars). 2 submissions from 2 submitters: Benign (1); Likely benign (1). Last evaluated 2025-06-03.

Conditions:
Hereditary cancer-predisposing syndrome. Also called: Hereditary Cancer Syndrome; Tumor predisposition; Neoplastic Syndromes, Hereditary; Hereditary neoplastic syndrome. Identifiers: Orphanet 140162, MedGen C0027672, MeSH D009386, MONDO:0015356.
Tuberous sclerosis 2 (TSC2). Identifiers: Orphanet 805, MedGen C1860707, MONDO:0013199, OMIM 613254.

Submissions (2):

Myriad Genetics, Inc.
Classification: Benign for Tuberous sclerosis 2. Last evaluated: 2025-06-03. Review status: criteria provided, single submitter. Criteria: Myriad Autosomal Dominant, Autosomal Recessive and X-Linked Classification Criteria (2023). Collection method: clinical testing. Allele origin: unknown.
Comment: This variant is considered benign. This variant is a silent/synonymous amino acid change and it is not expected to impact splicing.

Ambry Genetics
Classification: Likely benign for Hereditary cancer-predisposing syndrome. Last evaluated: 2023-11-22. Review status: criteria provided, single submitter. Criteria: Ambry Variant Classification Scheme 2023. Collection method: clinical testing. Allele origin: germline.

NM_000548.5(TSC2):c.4227G>C (p.Arg1409=)

Gene: TSC2 (TSC complex subunit 2; plus strand). Cytogenetic location: 16p13.3.
Variant type: single nucleotide variant.
Coding change: c.4227G>C on transcript NM_000548.5 (MANE Select); coding-DNA position 4227, G replaced by C.
Protein change: p.Arg1409=; no amino-acid change (arginine 1409 retained).
Molecular consequence: synonymous variant. On other transcripts: non-coding transcript variant (5).
Genome position (GRCh38, 1-based): chr16:2,084,449, G>C. VCF-style: chr16-2084449-G-C. GRCh37 (hg19) VCF-style: chr16-2134450-G-C.
Other names: c.4026G>C, p.Arg1342= (NM_001077183.3); c.4158G>C, p.Arg1386= (NM_001114382.3); c.3918G>C, p.Arg1306= (NM_001318827.2); c.3882G>C, p.Arg1294= (NM_001318829.2); c.3495G>C, p.Arg1165= (NM_001318831.2); c.4059G>C, p.Arg1353= (NM_001318832.2); c.4029G>C, p.Arg1343= (NM_001363528.2); c.4095G>C, p.Arg1365= (NM_001370404.1); and 26 more.
Identifiers: ClinVar variation 3232166 (VCV003232166.2), dbSNP rs1555514188, ClinGen allele CA493043271.